The following is an entry in ClinVar:

NM_015443.4(KANSL1):c.142G>A (p.Gly48Arg)

Gene: KANSL1 (KAT8 regulatory NSL complex subunit 1). Cytogenetic location: 17q21.31.
Variant type: single nucleotide variant.
Coding change: c.142G>A on transcript NM_015443.4 (MANE Select); coding-DNA position 142, G replaced by A.
Protein change: p.Gly48Arg; replaces glycine 48 with arginine.
Molecular consequence: missense variant.
Genome position (GRCh38, 1-based): chr17:46,172,002, C>T on the plus strand (G>A on the coding strand, the complement: KANSL1 is on the minus strand). VCF-style: chr17-46172002-C-T. GRCh37 (hg19) VCF-style: chr17-44249368-C-T.
Other names: c.142G>A, p.Gly48Arg (NM_001193465.2, NM_001193466.2, NM_001379198.1); short protein forms G48R.
Identifiers: ClinVar variation 1440401 (VCV001440401.2), dbSNP rs148847759, ClinGen allele CA315233.
Genomic context (GRCh38, chr17:46,172,002, plus strand): 5'-TAGGATTATTTCGGAAATCTAGGCTGGGATCCTCTGCAGCAATGGCTTTTCTTTTGGTTC[C>T]GTTGGCAGCAATAAGGATGTTGGCGTTGCCGTTATTTTCGGCACTGCCAGGGGACAAGGT-3'
Protein context (NP_056258.1, residues 38-58): GNANILIAAN[Gly48Arg]TKRKAIAAED

ClinVar aggregate classification (germline): Uncertain significance. Review status: criteria provided, multiple submitters, no conflicts (2 of 4 stars). 2 submissions from 2 submitters: Uncertain significance (2). Last evaluated 2025-01-09.

Conditions:
Koolen-de Vries syndrome (KDVS). Identifiers: Orphanet 96169, MedGen C1864871, MONDO:0012496, OMIM 610443.
Inborn genetic diseases. Identifiers: MedGen C0950123, MeSH D030342.

Allele frequency attached by ClinVar (database versions not stated): ExAC 0.00001; gnomAD 0.00001; TOPMed 0.00001; gnomAD exomes 0.00002 and 0.00003; ESP Exome Variant Server 0.00015.
gnomAD v4.1: 49 of 1,614,128 alleles (0.003%); highest among the groups gnomAD compares: African/African-American, 0.0053%; no homozygotes.

Submissions (2):

Ambry Genetics
Classification: Uncertain significance for Inborn genetic diseases. Last evaluated: 2025-01-09. Review status: criteria provided, single submitter. Criteria: Ambry Variant Classification Scheme 2023. Collection method: clinical testing. Allele origin: germline.

Labcorp Genetics (formerly Invitae), Labcorp
Classification: Uncertain significance for Koolen-de Vries syndrome. Last evaluated: 2021-08-11. Review status: criteria provided, single submitter. Criteria: Invitae Variant Classification Sherloc (09022015). Collection method: clinical testing. Allele origin: germline.
Comment: Due to the possible presence of a polymorphic segmental duplication, the location of the variant could not be unambiguously resolved. Variants with ambiguous mapping are still reported relative to the KANSL1 transcript. This sequence change replaces glycine with arginine at codon 48 of the KANSL1 protein (p.Gly48Arg). The glycine residue is highly conserved and there is a moderate physicochemical difference between glycine and arginine. The frequency data for this variant in the population databases (ExAC) is considered unreliable due to the presence of homologous sequence, such as pseudogenes or paralogs, in the genome. This variant has not been reported in the literature in individuals with KANSL1-related conditions. Algorithms developed to predict the effect of missense changes on protein structure and function are either unavailable or do not agree on the potential impact of this missense change (SIFT: "Tolerated"; PolyPhen-2: "Probably Damaging"; Align-GVGD: "Class C0"). Algorithms developed to predict the effect of sequence changes on RNA splicing suggest that this variant may create or strengthen a splice site. Until the location of this sequence change can be resolved, the clinical significance of this variant remains uncertain. It has been classified as a Variant of Uncertain Significance.